The following is an entry in ClinVar:

ClinVar aggregate classification (germline): Benign/Likely benign. Review status: criteria provided, multiple submitters, no conflicts (2 of 4 stars). 5 submissions from 5 submitters: Benign (2); Likely benign (1). 2 of the submissions do not count toward it. Last evaluated 2026-01-24.

Conditions:
Retinal dystrophy. Also called: Inherited retinal dystrophy. Identifiers: Orphanet 71862, MedGen C0854723, MeSH D058499, MONDO:0019118, HP:0000556.
Retinitis pigmentosa (RP). Identifiers: Orphanet 791, MedGen C0035334, MeSH D012174, MONDO:0019200, OMIM 268000. Inheritance: Autosomal dominant, autosomal recessive and X linked inheritance.

Allele frequency attached by ClinVar (database versions not stated): ESP Exome Variant Server 0.00062; gnomAD 0.00109 and 0.00129; TOPMed 0.00149; gnomAD exomes 0.00266; ExAC 0.00270; 1000 Genomes Project 30x 0.00531; 1000 Genomes Project 0.00559.
gnomAD v4.1: 1,871 of 1,614,016 alleles (0.12%); highest among the groups gnomAD compares: East Asian, 2.2%; 20 homozygotes.

Submissions (5):

Labcorp Genetics (formerly Invitae), Labcorp
Classification: Benign. Last evaluated: 2026-01-24. Review status: criteria provided, single submitter. Criteria: Invitae Variant Classification Sherloc (09022015). Collection method: clinical testing. Allele origin: germline.

Dept Of Ophthalmology, Nagoya University
Classification: Benign for Retinal dystrophy. Last evaluated: 2023-10-01. Review status: criteria provided, single submitter. Criteria: Submitter's publication. Collection method: research. Allele origin: germline. Affected: yes.

Illumina Laboratory Services, Illumina
Classification: Likely benign for Retinitis pigmentosa. Last evaluated: 2018-01-12. Review status: criteria provided, single submitter. Criteria: ICSL Variant Classification Criteria 13 December 2019. Collection method: clinical testing. Allele origin: germline.
Comment: This variant was observed in the ICSL laboratory as part of a predisposition screen in an ostensibly healthy population. It had not been previously curated by ICSL or reported in the Human Gene Mutation Database (HGMD: prior to June 1st, 2018), and was therefore a candidate for classification through an automated scoring system. Utilizing variant allele frequency, disease prevalence and penetrance estimates, and inheritance mode, an automated score was calculated to assess if this variant is too frequent to cause the disease. Based on the score and internal cut-off values, a variant classified as likely benign is not then subjected to further curation. The score for this variant resulted in a classification of likely benign for this disease.

Clinical Genetics DNA and cytogenetics Diagnostics Lab, Erasmus MC, Erasmus Medical Center
Classification: Benign. Review status: no assertion criteria provided. Collection method: clinical testing. Allele origin: germline. Affected: yes. Study: VKGL Data-share Consensus. Not counted in ClinVar's aggregate classification.

Clinical Genetics, Academic Medical Center
Classification: Benign. Review status: no assertion criteria provided. Collection method: clinical testing. Allele origin: germline. Affected: yes. Study: VKGL Data-share Consensus. Not counted in ClinVar's aggregate classification.

NM_002602.4(PDE6G):c.156C>T (p.Asp52=)

Gene: PDE6G (phosphodiesterase 6G; minus strand). Cytogenetic location: 17q25.3.
Variant type: single nucleotide variant.
Coding change: c.156C>T on transcript NM_002602.4 (MANE Select); coding-DNA position 156, C replaced by T.
Protein change: p.Asp52=; no amino-acid change (aspartic acid 52 retained).
Molecular consequence: synonymous variant. On other transcripts: non-coding transcript variant (2).
Genome position (GRCh38, 1-based): chr17:81,651,676, G>A on the plus strand (C>T on the coding strand, the complement: PDE6G is on the minus strand). VCF-style: chr17-81651676-G-A. GRCh37 (hg19) VCF-style: chr17-79618706-G-A.
Other names: c.156C>T, p.Asp52= (NM_001365724.1, NM_001365725.1).
Identifiers: ClinVar variation 726543 (VCV000726543.18), dbSNP rs117011954, ClinGen allele CA8839031.
Genomic context (GRCh38, chr17:81,651,676, plus strand): 5'-CCTCGGGTTGGTACTGGCAGCCGTCATACCTGTTCCCAGGCCTTCCATTCCAGGGATGTC[G>A]TCCCCAAACCTGCAAGGACAGAGCACTCAGGGACATGGCCGGGCCCAGTCCTGGCTCAGT-3'
Protein context (NP_002593.1, residues 42-62): PPKKGVQGFG[Asp52=]DIPGMEGLGT